The following is an entry in ClinVar:

ClinVar aggregate classification (germline): Uncertain significance (1 of 4 stars; one submission).

Conditions:
Fanconi anemia (FA). Also called: Fanconi's anemia. Identifiers: Orphanet 84, MedGen C0015625, MeSH D005199, MONDO:0019391.

gnomAD v4.1: 5 of 1,587,140 alleles (0.00032%); highest among the groups gnomAD compares: Non-Finnish European, 0.00043%; no homozygotes.

Submission:

Labcorp Genetics (formerly Invitae), Labcorp
Classification: Uncertain significance for Fanconi anemia. Last evaluated: 2025-01-29. Review status: criteria provided, single submitter. Criteria: Invitae Variant Classification Sherloc (09022015). Collection method: clinical testing. Allele origin: germline.
Comment: This sequence change affects codon 772 of the FANCA mRNA. It is a 'silent' change, meaning that it does not change the encoded amino acid sequence of the FANCA protein. This variant also falls at the last nucleotide of exon 25, which is part of the consensus splice site for this exon. This variant is not present in population databases (gnomAD no frequency). This variant has not been reported in the literature in individuals affected with FANCA-related conditions. Variants that disrupt the consensus splice site are a relatively common cause of aberrant splicing (PMID: 17576681, 9536098). Algorithms developed to predict the effect of sequence changes on RNA splicing suggest that this variant may disrupt the consensus splice site. In summary, the available evidence is currently insufficient to determine the role of this variant in disease. Therefore, it has been classified as a Variant of Uncertain Significance.

Literature cited by the submitters: PubMed 17576681; PubMed 9536098.

NM_000135.4(FANCA):c.2316G>A (p.Gln772=)

Gene: FANCA (FA complementation group A; minus strand). Cytogenetic location: 16q24.3.
Variant type: single nucleotide variant.
Coding change: c.2316G>A on transcript NM_000135.4 (MANE Select); coding-DNA position 2316, G replaced by A.
Protein change: p.Gln772=; no amino-acid change (glutamine 772 retained).
Molecular consequence: synonymous variant.
Genome position (GRCh38, 1-based): chr16:89,770,166, C>T on the plus strand (G>A on the coding strand, the complement: FANCA is on the minus strand). VCF-style: chr16-89770166-C-T. GRCh37 (hg19) VCF-style: chr16-89836574-C-T.
Other names: c.2316G>A, p.Gln772= (NM_001286167.3).
Identifiers: ClinVar variation 4707036 (VCV004707036.1).